The following is an entry in ClinVar:

ClinVar aggregate classification (germline): Uncertain significance (1 of 4 stars; one submission).

Conditions:
Hereditary pancreatitis (PCTT). Also called: PRSS1-Related Hereditary Pancreatitis; Hereditary chronic pancreatitis. Identifiers: Orphanet 676, MedGen C0238339, MONDO:0008185, OMIM 167800.

Submission:

Ambry Genetics
Classification: Uncertain significance for Hereditary pancreatitis. Last evaluated: 2025-02-02. Review status: criteria provided, single submitter. Criteria: Ambry Variant Classification Scheme 2023. Collection method: clinical testing. Allele origin: germline.
Comment: The p.S147P variant (also known as c.439T>C), located in coding exon 5 of the CTRC gene, results from a T to C substitution at nucleotide position 439. The serine at codon 147 is replaced by proline, an amino acid with similar properties. This amino acid position is conserved. In addition, this alteration is predicted to be tolerated by in silico analysis. Based on the available evidence, the clinical significance of this variant remains unclear.

NM_007272.3(CTRC):c.439T>C (p.Ser147Pro)

Gene: CTRC (chymotrypsin C; plus strand). Cytogenetic location: 1p36.21.
Variant type: single nucleotide variant.
Coding change: c.439T>C on transcript NM_007272.3 (MANE Select); coding-DNA position 439, T replaced by C.
Protein change: p.Ser147Pro; replaces serine 147 with proline.
Molecular consequence: missense variant.
Genome position (GRCh38, 1-based): chr1:15,443,501, T>C. VCF-style: chr1-15443501-T-C. GRCh37 (hg19) VCF-style: chr1-15769996-T-C.
Other names: short protein forms S147P.
Identifiers: ClinVar variation 3837287 (VCV003837287.1).